The following is an entry in ClinVar:

ClinVar aggregate classification (germline): Uncertain significance. Review status: criteria provided, multiple submitters, no conflicts (2 of 4 stars). 4 submissions from 4 submitters: Uncertain significance (4). Last evaluated 2024-05-11.

Conditions:
Autosomal recessive hypophosphatemic bone disease (HHRH). Also called: HYPERCALCIURIC RICKETS; Hypophosphatemic rickets with hypercalciuria. Identifiers: Orphanet 157215, MedGen C1853271, MONDO:0009431, OMIM 241530.

Allele frequency attached by ClinVar (database versions not stated): 1000 Genomes Project 30x 0.00016; 1000 Genomes Project 0.00020.

Submissions (4):

Fulgent Genetics
Classification: Uncertain significance for Autosomal recessive hypophosphatemic bone disease. Last evaluated: 2024-05-11. Review status: criteria provided, single submitter. Criteria: ACMG Guidelines, 2015. Collection method: clinical testing. Allele origin: germline.

Blueprint Genetics
Classification: Uncertain significance. Last evaluated: 2024-04-18. Review status: criteria provided, single submitter. Criteria: ACMG Guidelines, 2015. Collection method: clinical testing. Allele origin: germline.

ARUP Laboratories, Molecular Genetics and Genomics, ARUP Laboratories
Classification: Uncertain significance for Autosomal recessive hypophosphatemic bone disease. Last evaluated: 2023-10-13. Review status: criteria provided, single submitter. Criteria: ARUP Molecular Germline Variant Investigation Process 2024. Collection method: clinical testing. Allele origin: germline.
Comment: The SLC34A3 c.544C>T; p.Arg182Trp variant (rs199747826) is reported in the literature in the compound heterozygous state with a different pathogenic SLC34A3 variant in an individual affected with hypophosphatemic rickets with hypercalciuria (Tencza 2009). This variant is also reported in ClinVar (Variation ID: 1438804), and is found in the general population with an overall allele frequency of 0.0016% (4/248476 alleles) in the Genome Aggregation Database. Computational analyses are uncertain whether this variant is neutral or deleterious (REVEL: 0.244). However, given the lack of clinical and functional data, the significance of this variant is uncertain at this time. References: Tencza AL et al. Hypophosphatemic rickets with hypercalciuria due to mutation in SLC34A3/type IIc sodium-phosphate cotransporter: presentation as hypercalciuria and nephrolithiasis. J Clin Endocrinol Metab. 2009 Nov;94(11):4433-8. PMID: 19820004.

Labcorp Genetics (formerly Invitae), Labcorp
Classification: Uncertain significance. Last evaluated: 2022-08-16. Review status: criteria provided, single submitter. Criteria: Invitae Variant Classification Sherloc (09022015). Collection method: clinical testing. Allele origin: germline.
Comment: This sequence change replaces arginine, which is basic and polar, with tryptophan, which is neutral and slightly polar, at codon 182 of the SLC34A3 protein (p.Arg182Trp). This variant is present in population databases (rs199747826, gnomAD 0.01%). This missense change has been observed in individual(s) with hypophosphatemic rickets with hypercalciuria (PMID: 19820004). In at least one individual the data is consistent with being in trans (on the opposite chromosome) from a pathogenic variant. ClinVar contains an entry for this variant (Variation ID: 1438804). Algorithms developed to predict the effect of missense changes on protein structure and function are either unavailable or do not agree on the potential impact of this missense change (SIFT: "Deleterious"; PolyPhen-2: "Probably Damaging"; Align-GVGD: "Class C0"). In summary, the available evidence is currently insufficient to determine the role of this variant in disease. Therefore, it has been classified as a Variant of Uncertain Significance.

Literature cited by the submitters: PubMed 19820004 (cited by Labcorp Genetics (formerly Invitae), Labcorp).

NM_001177316.2(SLC34A3):c.544C>T (p.Arg182Trp)

Gene: SLC34A3 (solute carrier family 34 member 3; plus strand). Cytogenetic location: 9q34.3.
Variant type: single nucleotide variant.
Coding change: c.544C>T on transcript NM_001177316.2 (MANE Select); coding-DNA position 544, C replaced by T.
Protein change: p.Arg182Trp; replaces arginine 182 with tryptophan.
Molecular consequence: missense variant.
Genome position (GRCh38, 1-based): chr9:137,233,099, C>T. VCF-style: chr9-137233099-C-T. GRCh37 (hg19) VCF-style: chr9-140127551-C-T.
Other names: c.544C>T, p.Arg182Trp (NM_001177317.2, NM_080877.3); short protein forms R182W.
Identifiers: ClinVar variation 1438804 (VCV001438804.7), dbSNP rs199747826, ClinGen allele CA5364451.